The following is an entry in ClinVar:

ClinVar aggregate classification (germline): Pathogenic (1 of 4 stars; one submission).

Submission:

Labcorp Genetics (formerly Invitae), Labcorp
Classification: Pathogenic. Last evaluated: 2025-08-14. Review status: criteria provided, single submitter. Criteria: Invitae Variant Classification Sherloc (09022015). Collection method: clinical testing. Allele origin: germline.
Comment: This sequence change creates a premature translational stop signal (p.Leu774*) in the RP1 gene. While this is not anticipated to result in nonsense mediated decay, it is expected to disrupt the last 1383 amino acid(s) of the RP1 protein. This variant is not present in population databases (gnomAD no frequency). This premature translational stop signal has been observed in individuals with clinical features of autosomal dominant retinitis pigmentosa (PMID: 28041643; internal data). ClinVar contains an entry for this variant (Variation ID: 1406268). This variant disrupts the C-terminus of the RP1 protein. Many variants that disrupt this region have been reported in individuals with either autosomal dominant or autosomal recessive retinitis pigmentosa (PMID: 11527933, 19933189, 29425069, 30027431, 33681214). Therefore, variants that disrupt this region are expected to be disease-causing. For these reasons, this variant has been classified as Pathogenic.

Literature cited by the submitters: PubMed 28041643; PubMed 11527933; PubMed 19933189; PubMed 29425069; PubMed 30027431; PubMed 33681214.

NM_006269.2(RP1):c.2321T>G (p.Leu774Ter)

Gene: RP1 (RP1 axonemal microtubule associated; plus strand). Cytogenetic location: 8q12.1.
Variant type: single nucleotide variant.
Coding change: c.2321T>G on transcript NM_006269.2 (MANE Select); coding-DNA position 2321, T replaced by G.
Protein change: p.Leu774Ter; replaces leucine 774 with a stop codon.
Molecular consequence: nonsense. On other transcripts: intron variant (1).
Genome position (GRCh38, 1-based): chr8:54,626,203, T>G. VCF-style: chr8-54626203-T-G. GRCh37 (hg19) VCF-style: chr8-55538763-T-G.
Other names: c.787+3915T>G (NM_001375654.1); short protein forms L774*.
Identifiers: ClinVar variation 1406268 (VCV001406268.6), dbSNP rs1260291101, ClinGen allele CA370993414.
Genomic context (GRCh38, chr8:54,626,203, plus strand): 5'-CCAAGAATTTCCATAGAAATAAATTAAATACTACTCAAAATTCCAAGGTTCAAGGACTTT[T>G]AACCAAAAGAAAATCTAGATCACTAAATAAAATAAGCTTAGGAGCACCTAAAAAAAGAGA-3'